The following is an entry in ClinVar:

NM_025137.4(SPG11):c.3070A>T (p.Lys1024Ter)

Gene: SPG11 (SPG11 vesicle trafficking associated, spatacsin; minus strand). Cytogenetic location: 15q21.1.
Variant type: single nucleotide variant.
Coding change: c.3070A>T on transcript NM_025137.4 (MANE Select); coding-DNA position 3070, A replaced by T.
Protein change: p.Lys1024Ter; replaces lysine 1024 with a stop codon.
Molecular consequence: nonsense.
Genome position (GRCh38, 1-based): chr15:44,613,505, T>A on the plus strand (A>T on the coding strand, the complement: SPG11 is on the minus strand). VCF-style: chr15-44613505-T-A. GRCh37 (hg19) VCF-style: chr15-44905703-T-A.
Other names: c.3070A>T, p.Lys1024Ter (NM_001160227.2); short protein forms K1024*.
Identifiers: ClinVar variation 1457836 (VCV001457836.6), dbSNP rs1157530441, ClinGen allele CA392228686.

ClinVar aggregate classification (germline): Pathogenic (1 of 4 stars; one submission).

Conditions:
Hereditary spastic paraplegia 11. Also called: Spastic Paraplegia 11; Nakamura Osame syndrome; Autosomal recessive hereditary spastic paraplegia, mental impairment, and thin corpus callosum; SPASTIC PARAPLEGIA, AUTOSOMAL RECESSIVE, COMPLICATED, WITH THIN CORPUS CALLOSUM; SPASTIC PARAPLEGIA, AUTOSOMAL RECESSIVE, WITH MENTAL IMPAIRMENT AND THIN CORPUS CALLOSUM; Spastic paraplegia, mental retardation and thin corpus callosum. Identifiers: Orphanet 2822, MedGen C1858479, MONDO:0011445, OMIM 604360.

Submission:

Labcorp Genetics (formerly Invitae), Labcorp
Classification: Pathogenic for Hereditary spastic paraplegia 11. Last evaluated: 2020-12-01. Review status: criteria provided, single submitter. Criteria: Invitae Variant Classification Sherloc (09022015). Collection method: clinical testing. Allele origin: germline.
Comment: For these reasons, this variant has been classified as Pathogenic. This variant has not been reported in the literature in individuals with SPG11-related conditions. This variant is not present in population databases (ExAC no frequency). This sequence change creates a premature translational stop signal (p.Lys1024*) in the SPG11 gene. It is expected to result in an absent or disrupted protein product. Loss-of-function variants in SPG11 are known to be pathogenic (PMID: 19105190, 20110243, 22154821).

Literature cited by the submitters: PubMed 19105190; PubMed 20110243; PubMed 22154821.